The following is an entry in ClinVar:

ClinVar aggregate classification (germline): Uncertain significance (1 of 4 stars; one submission).

Conditions:
Catecholaminergic polymorphic ventricular tachycardia (CVPT). Also called: Catecholamine-induced polymorphic ventricular tachycardia. Identifiers: Orphanet 3286, MedGen C5574922, MONDO:0017990.

Submission:

All of Us Research Program, National Institutes of Health
Classification: Uncertain significance for Catecholaminergic polymorphic ventricular tachycardia. Last evaluated: 2023-10-06. Review status: criteria provided, single submitter. Criteria: ACMG Guidelines, 2015. Collection method: clinical testing. Allele origin: germline. Inheritance: Autosomal dominant inheritance. Observed: 1 variant allele, 1 heterozygote.
Comment: This missense variant replaces serine with phenylalanine at codon 699 of the RYR2 protein. Computational prediction suggests that this variant may not impact protein structure and function (internally defined REVEL score threshold <= 0.5, PMID: 27666373). To our knowledge, functional studies have not been reported for this variant. This variant has not been reported in individuals affected with RYR2-related disorders in the literature. This variant has not been identified in the general population by the Genome Aggregation Database (gnomAD). The available evidence is insufficient to determine the role of this variant in disease conclusively. Therefore, this variant is classified as a Variant of Uncertain Significance.

This study involves interpretation of variants in research participants for the purpose of population health screening. Participant phenotype was not available at the time of variant classification. Additional details can be found in publication PMID: 35346344, PMCID: PMC8962531

NM_001035.3(RYR2):c.2096C>T (p.Ser699Phe)

Gene: RYR2 (ryanodine receptor 2; plus strand). Cytogenetic location: 1q43.
Variant type: single nucleotide variant.
Coding change: c.2096C>T on transcript NM_001035.3 (MANE Select); coding-DNA position 2096, C replaced by T.
Protein change: p.Ser699Phe; replaces serine 699 with phenylalanine.
Molecular consequence: missense variant.
Genome position (GRCh38, 1-based): chr1:237,496,645, C>T. VCF-style: chr1-237496645-C-T. GRCh37 (hg19) VCF-style: chr1-237659945-C-T.
Other names: short protein forms S699F.
Identifiers: ClinVar variation 3073795 (VCV003073795.1), dbSNP rs2545836117, ClinGen allele CA345391897.
Genomic context (GRCh38, chr1:237,496,645, plus strand): 5'-TGGACCACACAGAGCCCTTTGTGACAGCTGAAGCAACTCACCTGCGAGTGGGCTGGGCTT[C>T]CACTGAAGGATATTCTCCCTACCCTGGAGGGGGCGAAGAGTGGGGTGGAAATGGTGTTGG-3'
Protein context (NP_001026.2, residues 689-709): EATHLRVGWA[Ser699Phe]TEGYSPYPGG